The following is an entry in ClinVar:

NM_000138.5(FBN1):c.8370C>T (p.His2790=)

Gene: FBN1 (fibrillin 1; minus strand). Cytogenetic location: 15q21.1.
Variant type: single nucleotide variant.
Coding change: c.8370C>T on transcript NM_000138.5 (MANE Select); coding-DNA position 8370, C replaced by T.
Protein change: p.His2790=; no amino-acid change (histidine 2790 retained).
Molecular consequence: synonymous variant.
Genome position (GRCh38, 1-based): chr15:48,411,236, G>A on the plus strand (C>T on the coding strand, the complement: FBN1 is on the minus strand). VCF-style: chr15-48411236-G-A. GRCh37 (hg19) VCF-style: chr15-48703433-G-A.
Other names: c.8370C>T, p.His2790= (NM_001406716.1).
Identifiers: ClinVar variation 3031185 (VCV003031185.2), dbSNP rs757167650, ClinGen allele CA059980.
Genomic context (GRCh38, chr15:48,411,236, plus strand): 5'-TTCCTTTTGGTTGATTTTAAAGAAGCCATCTTCATTTCCAGATTCGATCAAGTATCTGTT[G>A]TGATTCGTCAGAGTTGTAAGAGCTGGAAGGAGTTCTAGGATTCGAACCTTGTTACTGACG-3'
Protein context (NP_000129.3, residues 2780-2800): LLPALTTLTN[His2790=]NRYLIESGNE

ClinVar aggregate classification (germline): Likely benign (0 of 4 stars; one submission).

Conditions:
FBN1-related disorder. Also called: FBN1-related disorders.

Allele frequency attached by ClinVar (database versions not stated): gnomAD exomes below 0.00001; ExAC 0.00001.
gnomAD v4.1: 1 of 1,614,126 alleles (0.000062%); highest among the groups gnomAD compares: Non-Finnish European, 0.000085%; no homozygotes.

Submission:

PreventionGenetics, part of Exact Sciences
Classification: Likely benign for FBN1-related condition. Last evaluated: 2021-04-26. Review status: no assertion criteria provided. Collection method: clinical testing. Allele origin: germline.
Comment: This variant is classified as likely benign based on ACMG/AMP sequence variant interpretation guidelines (Richards et al. 2015 PMID: 25741868, with internal and published modifications).